The following is an entry in ClinVar:

ClinVar aggregate classification (germline): Uncertain significance. Review status: criteria provided, multiple submitters, no conflicts (2 of 4 stars). 2 submissions from 2 submitters: Uncertain significance (2). Last evaluated 2025-04-04.

Conditions:
Severe combined immunodeficiency due to DNA-PKcs deficiency. Also called: IMMUNODEFICIENCY 26 WITH NEUROLOGIC ABNORMALITIES; Immunodeficiency 26 with or without neurologic abnormalities. Identifiers: Orphanet 317425, MedGen C4014833, MONDO:0014423, OMIM 615966.

gnomAD v4.1: 4 of 1,613,748 alleles (0.00025%); highest among the groups gnomAD compares: South Asian, 0.0033%; no homozygotes.

Submissions (2):

Ambry Genetics
Classification: Uncertain significance. Last evaluated: 2025-04-04. Review status: criteria provided, single submitter. Criteria: Ambry Variant Classification Scheme 2023. Collection method: clinical testing. Allele origin: germline.

Labcorp Genetics (formerly Invitae), Labcorp
Classification: Uncertain significance for Severe combined immunodeficiency due to DNA-PKcs deficiency. Last evaluated: 2022-12-02. Review status: criteria provided, single submitter. Criteria: Invitae Variant Classification Sherloc (09022015). Collection method: clinical testing. Allele origin: germline.
Comment: This sequence change replaces methionine, which is neutral and non-polar, with lysine, which is basic and polar, at codon 989 of the PRKDC protein (p.Met989Lys). This variant is present in population databases (rs749565098, gnomAD 0.003%). This variant has not been reported in the literature in individuals affected with PRKDC-related conditions. ClinVar contains an entry for this variant (Variation ID: 854437). Advanced modeling of protein sequence and biophysical properties (such as structural, functional, and spatial information, amino acid conservation, physicochemical variation, residue mobility, and thermodynamic stability) has been performed at Invitae for this missense variant, however the output from this modeling did not meet the statistical confidence thresholds required to predict the impact of this variant on PRKDC protein function. In summary, the available evidence is currently insufficient to determine the role of this variant in disease. Therefore, it has been classified as a Variant of Uncertain Significance.

NM_006904.7(PRKDC):c.2966T>A (p.Met989Lys)

Gene: PRKDC (protein kinase, DNA-activated, catalytic subunit; minus strand). Cytogenetic location: 8q11.21.
Variant type: single nucleotide variant.
Coding change: c.2966T>A on transcript NM_006904.7 (MANE Select); coding-DNA position 2966, T replaced by A.
Protein change: p.Met989Lys; replaces methionine 989 with lysine.
Molecular consequence: missense variant.
Genome position (GRCh38, 1-based): chr8:47,904,945, A>T on the plus strand (T>A on the coding strand, the complement: PRKDC is on the minus strand). VCF-style: chr8-47904945-A-T. GRCh37 (hg19) VCF-style: chr8-48817505-A-T.
Other names: c.2966T>A, p.Met989Lys (NM_001081640.2); short protein forms M989K.
Identifiers: ClinVar variation 854437 (VCV000854437.10), dbSNP rs749565098, ClinGen allele CA4741308.